The following is an entry in ClinVar:

NM_001367624.2(ZNF469):c.7867T>C (p.Ser2623Pro)

Gene: ZNF469 (zinc finger protein 469; plus strand). Cytogenetic location: 16q24.2.
Variant type: single nucleotide variant.
Coding change: c.7867T>C on transcript NM_001367624.2 (MANE Select); coding-DNA position 7867, T replaced by C.
Protein change: p.Ser2623Pro; replaces serine 2623 with proline.
Molecular consequence: missense variant.
Genome position (GRCh38, 1-based): chr16:88,435,337, T>C. VCF-style: chr16-88435337-T-C. GRCh37 (hg19) VCF-style: chr16-88501745-T-C.
Other names: NM_001127464.1:c.7783T>C; short protein forms S2623P.
Identifiers: ClinVar variation 2104178 (VCV002104178.5), dbSNP rs2507597809, ClinGen allele CA397115170.

ClinVar aggregate classification (germline): Uncertain significance. Review status: criteria provided, multiple submitters, no conflicts (2 of 4 stars). 2 submissions from 2 submitters: Uncertain significance (2). Last evaluated 2025-04-12.

Conditions:
Cardiovascular phenotype. Identifiers: MedGen CN230736.

gnomAD v4.1: 1 of 1,550,148 alleles (0.000065%); highest among the groups gnomAD compares: African/African-American, 0.0014%; no homozygotes.

Submissions (2):

Ambry Genetics
Classification: Uncertain significance for Cardiovascular phenotype. Last evaluated: 2025-04-12. Review status: criteria provided, single submitter. Criteria: Ambry Variant Classification Scheme 2023. Collection method: clinical testing. Allele origin: germline.
Comment: The p.S2595P variant (also known as c.7783T>C), located in coding exon 2 of the ZNF469 gene, results from a T to C substitution at nucleotide position 7783. The serine at codon 2595 is replaced by proline, an amino acid with similar properties. This amino acid position is conserved. In addition, this alteration is predicted to be tolerated by in silico analysis. Based on the available evidence, the clinical significance of this variant remains unclear.

Labcorp Genetics (formerly Invitae), Labcorp
Classification: Uncertain significance. Last evaluated: 2025-03-10. Review status: criteria provided, single submitter. Criteria: Invitae Variant Classification Sherloc (09022015). Collection method: clinical testing. Allele origin: germline.
Comment: This sequence change replaces serine, which is neutral and polar, with proline, which is neutral and non-polar, at codon 2595 of the ZNF469 protein (p.Ser2595Pro). This variant is not present in population databases (gnomAD no frequency). This variant has not been reported in the literature in individuals affected with ZNF469-related conditions. ClinVar contains an entry for this variant (Variation ID: 2104178). An algorithm developed to predict the effect of missense changes on protein structure and function (PolyPhen-2) suggests that this variant is likely to be tolerated. In summary, the available evidence is currently insufficient to determine the role of this variant in disease. Therefore, it has been classified as a Variant of Uncertain Significance.